The following is an entry in ClinVar:

NM_000722.4(CACNA2D1):c.2054-51G>C

Gene: CACNA2D1 (calcium voltage-gated channel auxiliary subunit alpha2delta 1; minus strand). Cytogenetic location: 7q21.11.
Variant type: single nucleotide variant.
Coding change: c.2054-51G>C on transcript NM_000722.4 (MANE Select); 51 bases into the intron before coding-DNA position 2054, G replaced by C.
Molecular consequence: intron variant.
Genome position (GRCh38, 1-based): chr7:81,971,915, C>G on the plus strand (G>C on the coding strand, the complement: CACNA2D1 is on the minus strand). VCF-style: chr7-81971915-C-G. GRCh37 (hg19) VCF-style: chr7-81601231-C-G.
Other names: c.2090-51G>C (NM_001366867.1).
Identifiers: ClinVar variation 674592 (VCV000674592.2), dbSNP rs1229505, ClinGen allele CA4317766.

ClinVar aggregate classification (germline): Benign. Review status: criteria provided, multiple submitters, no conflicts (2 of 4 stars). 2 submissions from 2 submitters: Benign (2). Last evaluated 2018-06-19.

Allele frequency attached by ClinVar (database versions not stated): 1000 Genomes Project 0.23642; TOPMed 0.29061; gnomAD 0.29428 and 0.29582; ESP Exome Variant Server 0.30409; ExAC 0.33109; gnomAD exomes 0.33525 and 0.35957.
gnomAD v4.1: 384,259 of 1,097,464 alleles (35%); highest among the groups gnomAD compares: Non-Finnish European, 38%; 70,764 homozygotes.

Submissions (2):

GeneDx
Classification: Benign. Last evaluated: 2018-06-19. Review status: criteria provided, single submitter. Criteria: GeneDx Variant Classification (06012015). Collection method: clinical testing. Allele origin: germline. Affected: yes.
Comment: This variant is considered likely benign or benign based on one or more of the following criteria: it is a conservative change, it occurs at a poorly conserved position in the protein, it is predicted to be benign by multiple in silico algorithms, and/or has population frequency not consistent with disease.

Breakthrough Genomics
Classification: Benign. Review status: criteria provided, single submitter. Criteria: ACMG Guidelines, 2015. Collection method: not provided. Allele origin: germline. Inheritance: Autosomal recessive inheritance. Affected: yes.